The following is an entry in ClinVar:

NM_001122630.2(CDKN1C):c.491T>C (p.Val164Ala)

Gene: CDKN1C (cyclin dependent kinase inhibitor 1C; minus strand). Cytogenetic location: 11p15.4.
Variant type: single nucleotide variant.
Coding change: c.491T>C on transcript NM_001122630.2 (MANE Select); coding-DNA position 491, T replaced by C.
Protein change: p.Val164Ala; replaces valine 164 with alanine.
Molecular consequence: missense variant. On other transcripts: intron variant (1).
Genome position (GRCh38, 1-based): chr11:2,884,966, A>G on the plus strand (T>C on the coding strand, the complement: CDKN1C is on the minus strand). VCF-style: chr11-2884966-A-G. GRCh37 (hg19) VCF-style: chr11-2906196-A-G.
Other names: c.524T>C, p.Val175Ala (NM_000076.2, NM_001362474.2); c.491T>C, p.Val164Ala (NM_001122631.2); c.255+236T>C (NM_001362475.2); short protein forms V175A, V164A.
Identifiers: ClinVar variation 2716788 (VCV002716788.4), dbSNP rs1309218520, ClinGen allele CA379146530.

ClinVar aggregate classification (germline): Uncertain significance. Review status: criteria provided, multiple submitters, no conflicts (2 of 4 stars). 2 submissions from 2 submitters: Uncertain significance (2). Last evaluated 2024-05-07.

Conditions:
Beckwith-Wiedemann syndrome (BWS). Also called: Exomphalos macroglossia gigantism syndrome; EMG SYNDROME. Identifiers: Orphanet 116, MedGen C0004903, MONDO:0007534, OMIM 130650.
IMAGe syndrome. Also called: Intrauterine Growth Restriction, Metaphyseal Dysplasia, Adrenal Hypoplasia Congenita, and Genital Anomalies; Intrauterine growth retardation, metaphyseal dysplasia, adrenal hypoplasia congenita, and genital anomalies. Identifiers: Orphanet 85173, MedGen C1846009, MONDO:0013873, OMIM 614732.

gnomAD v4.1: 1 of 981,924 alleles (0.0001%); no homozygotes.

Submissions (2):

Fulgent Genetics
Classification: Uncertain significance for Beckwith-Wiedemann syndrome; IMAGe syndrome. Last evaluated: 2024-05-07. Review status: criteria provided, single submitter. Criteria: ACMG Guidelines, 2015. Collection method: clinical testing. Allele origin: germline.

Labcorp Genetics (formerly Invitae), Labcorp
Classification: Uncertain significance for Beckwith-Wiedemann syndrome. Last evaluated: 2024-02-18. Review status: criteria provided, single submitter. Criteria: Invitae Variant Classification Sherloc (09022015). Collection method: clinical testing. Allele origin: germline.
Comment: This sequence change replaces valine, which is neutral and non-polar, with alanine, which is neutral and non-polar, at codon 175 of the CDKN1C protein (p.Val175Ala). The frequency data for this variant in the population databases is considered unreliable, as metrics indicate insufficient coverage at this position in the gnomAD database. This variant has not been reported in the literature in individuals affected with CDKN1C-related conditions. Advanced modeling of protein sequence and biophysical properties (such as structural, functional, and spatial information, amino acid conservation, physicochemical variation, residue mobility, and thermodynamic stability) performed at Invitae indicates that this missense variant is not expected to disrupt CDKN1C protein function with a negative predictive value of 80%. In summary, the available evidence is currently insufficient to determine the role of this variant in disease. Therefore, it has been classified as a Variant of Uncertain Significance.